The following is an entry in ClinVar:

NM_019096.5(GTPBP2):c.846C>T (p.Cys282=)

Gene: GTPBP2 (GTP binding protein 2; minus strand). Cytogenetic location: 6p21.1.
Variant type: single nucleotide variant.
Coding change: c.846C>T on transcript NM_019096.5 (MANE Select); coding-DNA position 846, C replaced by T.
Protein change: p.Cys282=; no amino-acid change (cysteine 282 retained).
Molecular consequence: synonymous variant.
Genome position (GRCh38, 1-based): chr6:43,624,922, G>A on the plus strand (C>T on the coding strand, the complement: GTPBP2 is on the minus strand). VCF-style: chr6-43624922-G-A. GRCh37 (hg19) VCF-style: chr6-43592659-G-A.
Other names: c.582C>T, p.Cys194= (NM_001286216.2).
Identifiers: ClinVar variation 1568329 (VCV001568329.70), dbSNP rs762520762, ClinGen allele CA3827702.

ClinVar aggregate classification (germline): Likely benign. Review status: criteria provided, multiple submitters, no conflicts (2 of 4 stars). 2 submissions from 2 submitters: Likely benign (2). Last evaluated 2024-02-01.

Allele frequency attached by ClinVar (database versions not stated): gnomAD exomes 0.00003 and 0.00004; TOPMed 0.00004; gnomAD 0.00005; ExAC 0.00006.
gnomAD v4.1: 73 of 1,614,036 alleles (0.0045%); highest among the groups gnomAD compares: Middle Eastern, 0.016%; no homozygotes.

Submissions (2):

CeGaT Center for Human Genetics Tuebingen
Classification: Likely benign. Last evaluated: 2024-02-01. Review status: criteria provided, single submitter. Criteria: CeGaT Center For Human Genetics Tuebingen Variant Classification Criteria Version 2. Collection method: clinical testing. Allele origin: germline. Affected: yes. Observed: 1 variant allele.
Comment: GTPBP2: BP4, BP7

Labcorp Genetics (formerly Invitae), Labcorp
Classification: Likely benign. Last evaluated: 2022-08-10. Review status: criteria provided, single submitter. Criteria: Invitae Variant Classification Sherloc (09022015). Collection method: clinical testing. Allele origin: germline.